The following is an entry in ClinVar:

NM_000264.5(PTCH1):c.469C>A (p.Leu157Ile)

Gene: PTCH1 (patched 1; minus strand). Cytogenetic location: 9q22.32.
Variant type: single nucleotide variant.
Coding change: c.469C>A on transcript NM_000264.5 (MANE Select); coding-DNA position 469, C replaced by A.
Protein change: p.Leu157Ile; replaces leucine 157 with isoleucine.
Molecular consequence: missense variant. On other transcripts: non-coding transcript variant (1).
Genome position (GRCh38, 1-based): chr9:95,485,800, G>T on the plus strand (C>A on the coding strand, the complement: PTCH1 is on the minus strand). VCF-style: chr9-95485800-G-T. GRCh37 (hg19) VCF-style: chr9-98248082-G-T.
Other names: c.271C>A, p.Leu91Ile (NM_001083602.3, NM_001354919.2); c.466C>A, p.Leu156Ile (NM_001083603.3); c.16C>A, p.Leu6Ile (NM_001083604.3, NM_001083605.3, NM_001083606.3 and 1 more transcripts); c.469C>A, p.Leu157Ile (NM_001354918.2); short protein forms L157I, L6I, L91I, L156I.
Identifiers: ClinVar variation 2873880 (VCV002873880.4), dbSNP rs1841923110, ClinGen allele CA374117052.

ClinVar aggregate classification (germline): Uncertain significance. Review status: criteria provided, multiple submitters, no conflicts (2 of 4 stars). 2 submissions from 2 submitters: Uncertain significance (2). Last evaluated 2026-07-07.

Conditions:
Gorlin syndrome. Also called: Nevoid Basal Cell Carcinoma Syndrome; Basal cell nevus syndrome. Identifiers: Orphanet 377, MedGen C0004779, MONDO:0007187.
Hereditary cancer-predisposing syndrome. Also called: Hereditary Cancer Syndrome; Hereditary neoplastic syndrome; Neoplastic Syndromes, Hereditary; Tumor predisposition. Identifiers: Orphanet 140162, MedGen C0027672, MeSH D009386, MONDO:0015356.

Allele frequency attached by ClinVar (database versions not stated): gnomAD exomes below 0.00001.
gnomAD v4.1: 1 of 1,614,176 alleles (0.000062%); highest among the groups gnomAD compares: Admixed American, 0.0017%; no homozygotes.

Submissions (2):

Ambry Genetics
Classification: Uncertain significance for Hereditary cancer-predisposing syndrome. Last evaluated: 2026-07-07. Review status: criteria provided, single submitter. Criteria: Ambry Variant Classification Scheme 2023. Collection method: clinical testing. Allele origin: germline.
Comment: The p.L91I variant (also known as c.271C>A), located in coding exon 3 of the PTCH1 gene, results from a C to A substitution at nucleotide position 271. The leucine at codon 91 is replaced by isoleucine, an amino acid with highly similar properties. This amino acid position is conserved. In addition, the in silico prediction for this alteration is inconclusive. Based on the available evidence, the clinical significance of this variant remains unclear.

Labcorp Genetics (formerly Invitae), Labcorp
Classification: Uncertain significance for Gorlin syndrome. Last evaluated: 2023-10-04. Review status: criteria provided, single submitter. Criteria: Invitae Variant Classification Sherloc (09022015). Collection method: clinical testing. Allele origin: germline.
Comment: This sequence change replaces leucine, which is neutral and non-polar, with isoleucine, which is neutral and non-polar, at codon 157 of the PTCH1 protein (p.Leu157Ile). This variant is not present in population databases (gnomAD no frequency). This variant has not been reported in the literature in individuals affected with PTCH1-related conditions. Advanced modeling of protein sequence and biophysical properties (such as structural, functional, and spatial information, amino acid conservation, physicochemical variation, residue mobility, and thermodynamic stability) performed at Invitae indicates that this missense variant is not expected to disrupt PTCH1 protein function. In summary, the available evidence is currently insufficient to determine the role of this variant in disease. Therefore, it has been classified as a Variant of Uncertain Significance.